The following is an entry in ClinVar:

NM_003482.4(KMT2D):c.11124C>G (p.Ser3708Arg)

Gene: KMT2D (lysine methyltransferase 2D; minus strand). Cytogenetic location: 12q13.12.
Variant type: single nucleotide variant.
Coding change: c.11124C>G on transcript NM_003482.4 (MANE Select); coding-DNA position 11124, C replaced by G.
Protein change: p.Ser3708Arg; replaces serine 3708 with arginine.
Molecular consequence: missense variant.
Genome position (GRCh38, 1-based): chr12:49,033,581, G>C on the plus strand (C>G on the coding strand, the complement: KMT2D is on the minus strand). VCF-style: chr12-49033581-G-C. GRCh37 (hg19) VCF-style: chr12-49427364-G-C.
Other names: short protein forms S3708R.
Identifiers: ClinVar variation 520588 (VCV000520588.11), dbSNP rs773713199, ClinGen allele CA6546363.

ClinVar aggregate classification (germline): Conflicting classifications of pathogenicity. Review status: criteria provided, conflicting classifications (1 of 4 stars). 2 submissions from 2 submitters: Uncertain significance (1); Likely benign (1). Last evaluated 2025-10-16.

Conditions:
Kabuki syndrome. Also called: NIIKAWA-KUROKI SYNDROME; Kabuki make-up syndrome. Identifiers: Orphanet 2322, MedGen C0796004, MONDO:0016512.
Inborn genetic diseases. Identifiers: MedGen C0950123, MeSH D030342.

Allele frequency attached by ClinVar (database versions not stated): gnomAD exomes 0.00002 and 0.00011; TOPMed 0.00003; ExAC 0.00009.
gnomAD v4.1: 30 of 1,613,444 alleles (0.0019%); highest among the groups gnomAD compares: East Asian, 0.065%; no homozygotes.

Submissions (2):

Labcorp Genetics (formerly Invitae), Labcorp
Classification: Likely benign for Kabuki syndrome. Last evaluated: 2025-10-16. Review status: criteria provided, single submitter. Criteria: Invitae Variant Classification Sherloc (09022015). Collection method: clinical testing. Allele origin: germline.

Ambry Genetics
Classification: Uncertain significance for Hereditary disease. Last evaluated: 2014-11-10. Review status: criteria provided, single submitter. Criteria: ambry_reporting_categories_2017. Collection method: clinical testing. Allele origin: germline. Affected: yes. Observed: 1 heterozygote. Segregation with disease observed.
Comment: Lines of evidence used in support of classification: UNCERTAIN: Alteration(s) of Uncertain Clinical Significance Detected

Literature cited by the submitters: PubMed 22126750 (cited by Ambry Genetics); PubMed 20711175 (cited by Ambry Genetics); PubMed 21280141 (cited by Ambry Genetics); PubMed 3067577 (cited by Ambry Genetics); PubMed 9285441 (cited by Ambry Genetics); PubMed 14608645 (cited by Ambry Genetics); PubMed 21658225 (cited by Ambry Genetics); PubMed 23320472 (cited by Ambry Genetics); PubMed 16603732 (cited by Ambry Genetics); PubMed 12482968 (cited by Ambry Genetics); PubMed 21671394 (cited by Ambry Genetics); PubMed 25972376 (cited by Ambry Genetics); PubMed 14699623 (cited by Ambry Genetics); PubMed 27568880 (cited by Ambry Genetics); PubMed 26049589 (cited by Ambry Genetics); PubMed 26898171 (cited by Ambry Genetics); PubMed 27778401 (cited by Ambry Genetics); PubMed 22304445 (cited by Ambry Genetics); PubMed 28295206 (cited by Ambry Genetics); PubMed 27991736 (cited by Ambry Genetics); PubMed 28256057 (cited by Ambry Genetics); PubMed 26194542 (cited by Ambry Genetics); PubMed 27573763 (cited by Ambry Genetics); PubMed 28884889 (cited by Ambry Genetics); PubMed 28884922 (cited by Ambry Genetics).